The following is an entry in ClinVar:

ClinVar aggregate classification (germline): Likely pathogenic (1 of 4 stars; one submission).

Submission:

Labcorp Genetics (formerly Invitae), Labcorp
Classification: Likely pathogenic. Last evaluated: 2023-12-10. Review status: criteria provided, single submitter. Criteria: Invitae Variant Classification Sherloc (09022015). Collection method: clinical testing. Allele origin: germline.
Comment: This sequence change affects an acceptor splice site in intron 12 of the FREM2 gene. It is expected to disrupt RNA splicing. Variants that disrupt the donor or acceptor splice site typically lead to a loss of protein function (PMID: 16199547), and loss-of-function variants in FREM2 are known to be pathogenic (PMID: 18203166, 26552811). This variant is not present in population databases (gnomAD no frequency). This variant has not been reported in the literature in individuals affected with FREM2-related conditions. Algorithms developed to predict the effect of sequence changes on RNA splicing suggest that this variant may disrupt the consensus splice site. In summary, the currently available evidence indicates that the variant is pathogenic, but additional data are needed to prove that conclusively. Therefore, this variant has been classified as Likely Pathogenic.

Literature cited by the submitters: PubMed 16199547; PubMed 18203166; PubMed 26552811.

NM_207361.6(FREM2):c.7057-1G>A

Gene: FREM2 (FRAS1 related extracellular matrix 2; plus strand). Cytogenetic location: 13q13.3.
Variant type: single nucleotide variant.
Coding change: c.7057-1G>A on transcript NM_207361.6 (MANE Select); the canonical splice acceptor site of the intron before coding-DNA position 7057, G replaced by A.
Molecular consequence: splice acceptor variant.
Genome position (GRCh38, 1-based): chr13:38,857,874, G>A. VCF-style: chr13-38857874-G-A. GRCh37 (hg19) VCF-style: chr13-39432011-G-A.
Identifiers: ClinVar variation 2759950 (VCV002759950.3), dbSNP rs2541494253, ClinGen allele CA387897802.